The following is an entry in ClinVar:

ClinVar aggregate classification (germline): Uncertain significance (1 of 4 stars; one submission).

Conditions:
Epileptic encephalopathy. Identifiers: MedGen C0543888, HP:0200134.

Submission:

Labcorp Genetics (formerly Invitae), Labcorp
Classification: Uncertain significance for Epileptic encephalopathy. Last evaluated: 2025-05-12. Review status: criteria provided, single submitter. Criteria: Invitae Variant Classification Sherloc (09022015). Collection method: clinical testing. Allele origin: germline.
Comment: This sequence change replaces lysine, which is basic and polar, with arginine, which is basic and polar, at codon 2501 of the RYR3 protein (p.Lys2501Arg). This variant is not present in population databases (gnomAD no frequency). This variant has not been reported in the literature in individuals affected with RYR3-related conditions. ClinVar contains an entry for this variant (Variation ID: 1046808). Invitae Evidence Modeling of protein sequence and biophysical properties (such as structural, functional, and spatial information, amino acid conservation, physicochemical variation, residue mobility, and thermodynamic stability) indicates that this missense variant is expected to disrupt RYR3 protein function with a positive predictive value of 80%. In summary, the available evidence is currently insufficient to determine the role of this variant in disease. Therefore, it has been classified as a Variant of Uncertain Significance.

NM_001036.6(RYR3):c.7502A>G (p.Lys2501Arg)

Gene: RYR3 (ryanodine receptor 3; plus strand). Cytogenetic location: 15q14.
Variant type: single nucleotide variant.
Coding change: c.7502A>G on transcript NM_001036.6 (MANE Select); coding-DNA position 7502, A replaced by G.
Protein change: p.Lys2501Arg; replaces lysine 2501 with arginine.
Molecular consequence: missense variant.
Genome position (GRCh38, 1-based): chr15:33,736,312, A>G. VCF-style: chr15-33736312-A-G. GRCh37 (hg19) VCF-style: chr15-34028513-A-G.
Other names: c.7502A>G, p.Lys2501Arg (NM_001243996.4); short protein forms K2501R.
Identifiers: ClinVar variation 1046808 (VCV001046808.8), dbSNP rs2069456146, ClinGen allele CA391579817.
Genomic context (GRCh38, chr15:33,736,312, plus strand): 5'-TGTTACAGCAACTCCTGCGACGCCTCGTTTTTGATGTGCCGCAACTCAATGAATACTGCA[A>G]AATGCCTCTCAAGGTAAACATCACTATTGTTACAGAAATACAGTCTATTGCACAGGAAAC-3'
Protein context (NP_001027.3, residues 2491-2511): FDVPQLNEYC[Lys2501Arg]MPLKLLTNHY